The following is an entry in ClinVar:

ClinVar aggregate classification (germline): Benign (1 of 4 stars; one submission).

Conditions:
Deficiency of aromatic-L-amino-acid decarboxylase. Also called: Aromatic L-Amino Acid Decarboxylase Deficiency; Aromatic amino acid decarboxylase deficiency; AADC DEFICIENCY; DDC DEFICIENCY; DOPA DECARBOXYLASE DEFICIENCY. Identifiers: Orphanet 35708, MedGen C1291564, MONDO:0012084, OMIM 608643.

Allele frequency attached by ClinVar (database versions not stated): gnomAD 0.02155 and 0.02306; 1000 Genomes Project 0.02177; 1000 Genomes Project 30x 0.02280; TOPMed 0.02466.

Submission:

Illumina Laboratory Services, Illumina
Classification: Benign for Deficiency of aromatic-L-amino-acid decarboxylase. Last evaluated: 2018-01-12. Review status: criteria provided, single submitter. Criteria: ICSL Variant Classification Criteria 13 December 2019. Collection method: clinical testing. Allele origin: germline.
Comment: This variant was observed in the ICSL laboratory as part of a predisposition screen in an ostensibly healthy population. It had not been previously curated by ICSL or reported in the Human Gene Mutation Database (HGMD: prior to June 1st, 2018), and was therefore a candidate for classification through an automated scoring system. Utilizing variant allele frequency, disease prevalence and penetrance estimates, and inheritance mode, an automated score was calculated to assess if this variant is too frequent to cause the disease. Based on the score and internal cut-off values, a variant classified as benign is not then subjected to further curation. The score for this variant resulted in a classification of benign for this disease.

NM_001082971.2(DDC):c.*314T>C

Gene: DDC (dopa decarboxylase; minus strand). Cytogenetic location: 7p12.2.
Variant type: single nucleotide variant.
Coding change: c.*314T>C on transcript NM_001082971.2 (MANE Select); 314 bases downstream of the stop codon, T replaced by C.
Molecular consequence: 3 prime UTR variant.
Genome position (GRCh38, 1-based): chr7:50,458,548, A>G on the plus strand (T>C on the coding strand, the complement: DDC is on the minus strand). VCF-style: chr7-50458548-A-G. GRCh37 (hg19) VCF-style: chr7-50526246-A-G.
Other names: c.*314T>C (NM_001242886.2, NM_001242887.2, NM_001242888.2 and 2 more transcripts).
Identifiers: ClinVar variation 360424 (VCV000360424.5), dbSNP rs11575552, ClinGen allele CA10626208.